The following is an entry in ClinVar:

ClinVar aggregate classification (germline): Uncertain significance (1 of 4 stars; one submission).

Submission:

Labcorp Genetics (formerly Invitae), Labcorp
Classification: Uncertain significance. Last evaluated: 2024-02-18. Review status: criteria provided, single submitter. Criteria: Invitae Variant Classification Sherloc (09022015). Collection method: clinical testing. Allele origin: germline.
Comment: This sequence change replaces asparagine, which is neutral and polar, with tyrosine, which is neutral and polar, at codon 90 of the C1S protein (p.Asn90Tyr). This variant is not present in population databases (gnomAD no frequency). This variant has not been reported in the literature in individuals affected with C1S-related conditions. An algorithm developed to predict the effect of missense changes on protein structure and function (PolyPhen-2) suggests that this variant is likely to be tolerated. In summary, the available evidence is currently insufficient to determine the role of this variant in disease. Therefore, it has been classified as a Variant of Uncertain Significance.

NM_001734.5(C1S):c.268A>T (p.Asn90Tyr)

Gene: C1S (complement C1s; plus strand). Cytogenetic location: 12p13.31.
Variant type: single nucleotide variant.
Coding change: c.268A>T on transcript NM_001734.5 (MANE Select); coding-DNA position 268, A replaced by T.
Protein change: p.Asn90Tyr; replaces asparagine 90 with tyrosine.
Molecular consequence: missense variant. On other transcripts: 5 prime UTR variant (1).
Genome position (GRCh38, 1-based): chr12:7,062,944, A>T. VCF-style: chr12-7062944-A-T. GRCh37 (hg19) VCF-style: chr12-7170248-A-T.
Other names: c.-234A>T (NM_001346850.2); c.268A>T, p.Asn90Tyr (NM_201442.4); short protein forms N90Y.
Identifiers: ClinVar variation 3641905 (VCV003641905.2).